The following is an entry in ClinVar:

ClinVar aggregate classification (germline): Uncertain significance (1 of 4 stars; one submission).

Conditions:
Hereditary cancer-predisposing syndrome. Also called: Hereditary Cancer Syndrome; Hereditary neoplastic syndrome; Neoplastic Syndromes, Hereditary; Tumor predisposition. Identifiers: Orphanet 140162, MedGen C0027672, MeSH D009386, MONDO:0015356.

Submission:

Ambry Genetics
Classification: Uncertain significance for Hereditary cancer-predisposing syndrome. Last evaluated: 2025-09-09. Review status: criteria provided, single submitter. Criteria: Ambry Variant Classification Scheme 2023. Collection method: clinical testing. Allele origin: germline.
Comment: The c.4256_4258delTTCinsCTT variant (also known as p.L1419_L1420delinsPF), located in coding exon 28 of the ATM gene, results from an in-frame deletion of TTC and insertion of CTT at nucleotide positions 4256 to 4258. This results in the substitution of two leucine residues for proline and phenylalanine residues at codons 1419 and 1420. This amino acid region is highly conserved in available vertebrate species. In addition, this variant is predicted to be deleterious by in silico analysis (Choi Y et al. PLoS ONE. 2012; 7(10):e46688). Based on the available evidence, the clinical significance of this variant remains unclear.

NM_000051.4(ATM):c.4256_4258delinsCTT (p.Leu1419_Leu1420delinsProPhe)

Gene: ATM (ATM serine/threonine kinase; plus strand). Cytogenetic location: 11q22.3.
Variant type: Indel.
Coding change: c.4256_4258delinsCTT on transcript NM_000051.4 (MANE Select); coding-DNA positions 4256 to 4258, TTC replaced by CTT.
Protein change: p.Leu1419_Leu1420delinsProPhe.
Molecular consequence: missense variant.
Genome position (GRCh38, 1-based): chr11:108,289,621-108,289,623, TTC replaced by CTT. VCF-style: chr11-108289621-TTC-CTT. GRCh37 (hg19) VCF-style: chr11-108160348-TTC-CTT.
Other names: c.4256_4258delinsCTT, p.Leu1419_Leu1420delinsProPhe (NM_001351834.2).
Identifiers: ClinVar variation 1739120 (VCV001739120.4), dbSNP rs2546908619, ClinGen allele CA2580083218.